The following is an entry in ClinVar:

ClinVar aggregate classification (germline): Uncertain significance (1 of 4 stars; one submission).

Conditions:
Emery-Dreifuss muscular dystrophy 5, autosomal dominant (EDMD5). Also called: EMERY-DREIFUSS MUSCULAR DYSTROPHY 5. Identifiers: Orphanet 261, MedGen C2751805, MONDO:0013072, OMIM 612999.

Submission:

Labcorp Genetics (formerly Invitae), Labcorp
Classification: Uncertain significance for Emery-Dreifuss muscular dystrophy 5, autosomal dominant. Last evaluated: 2022-04-01. Review status: criteria provided, single submitter. Criteria: Invitae Variant Classification Sherloc (09022015). Collection method: clinical testing. Allele origin: germline.
Comment: This sequence change replaces serine, which is neutral and polar, with cysteine, which is neutral and slightly polar, at codon 646 of the SYNE2 protein (p.Ser646Cys). This variant is not present in population databases (gnomAD no frequency). This variant has not been reported in the literature in individuals affected with SYNE2-related conditions. Algorithms developed to predict the effect of missense changes on protein structure and function are either unavailable or do not agree on the potential impact of this missense change (SIFT: "Deleterious"; PolyPhen-2: "Probably Damaging"; Align-GVGD: "Class C0"). In summary, the available evidence is currently insufficient to determine the role of this variant in disease. Therefore, it has been classified as a Variant of Uncertain Significance.

NM_182914.3(SYNE2):c.1937C>G (p.Ser646Cys)

Gene: SYNE2 (spectrin repeat containing nuclear envelope protein 2; plus strand). Cytogenetic location: 14q23.2.
Variant type: single nucleotide variant.
Coding change: c.1937C>G on transcript NM_182914.3 (MANE Select); coding-DNA position 1937, C replaced by G.
Protein change: p.Ser646Cys; replaces serine 646 with cysteine.
Molecular consequence: missense variant.
Genome position (GRCh38, 1-based): chr14:63,982,730, C>G. VCF-style: chr14-63982730-C-G. GRCh37 (hg19) VCF-style: chr14-64449448-C-G.
Other names: c.1937C>G, p.Ser646Cys (NM_015180.6); short protein forms S646C.
Identifiers: ClinVar variation 2167061 (VCV002167061.4), dbSNP rs2550878565, ClinGen allele CA389963452.